The following is an entry in ClinVar:

ClinVar aggregate classification (germline): Uncertain significance (1 of 4 stars; one submission).

Conditions:
Intellectual developmental disorder, autosomal dominant 54. Also called: MENTAL RETARDATION, AUTOSOMAL DOMINANT 54; Intellectual disability, autosomal dominant 54. Identifiers: MedGen C4540484, MONDO:0030920, OMIM 617799.

Submission:

University of Washington Department of Laboratory Medicine, University of Washington
Classification: Uncertain significance for Intellectual developmental disorder, autosomal dominant 54. Last evaluated: 2022-11-17. Review status: criteria provided, single submitter. Criteria: ACMG Guidelines, 2015. Collection method: clinical testing. Allele origin: unknown. Affected: yes.
Comment: The c.1176+1G>T variant in the CAMK2B gene has not been previously reported in association with disease. This variant was absent from large population databases, including the Genome Aggregation Database. The c.1176+1G>T alters the canonical donor splice site in intron 16, which is predicted to result in abnormal gene splicing. These predictions have not been tested directly. Variants resulting in likely loss of function have been previously described with disease. Using ACMG guidelines, this variant was classified as a variant of uncertain significance (ACMG evidence codes used: PVS1_strong, PM2_supporting).

NM_001220.5(CAMK2B):c.1176+1G>T

Gene: CAMK2B (calcium/calmodulin dependent protein kinase II beta; minus strand). Cytogenetic location: 7p13.
Variant type: single nucleotide variant.
Coding change: c.1176+1G>T on transcript NM_001220.5 (MANE Select); the canonical splice donor site of the intron after coding-DNA position 1176, G replaced by T.
Molecular consequence: splice donor variant. On other transcripts: intron variant (3).
Genome position (GRCh38, 1-based): chr7:44,232,821, C>A on the plus strand (G>T on the coding strand, the complement: CAMK2B is on the minus strand). VCF-style: chr7-44232821-C-A. GRCh37 (hg19) VCF-style: chr7-44272420-C-A.
Other names: c.1176+1G>T (NM_001220.4, NM_001293170.2, NM_172078.3); c.946+7886G>T (NM_172084.3); c.1101+1G>T (NM_172080.3); c.988-1767G>T (NM_172083.3); c.1059+1569G>T (NM_172081.3); c.1104+1G>T (NM_172079.3, NM_172082.3).
Identifiers: ClinVar variation 3777117 (VCV003777117.1).